The following is an entry in ClinVar:

ClinVar aggregate classification (germline): Uncertain significance. Review status: criteria provided, multiple submitters, no conflicts (2 of 4 stars). 2 submissions from 2 submitters: Uncertain significance (2). Last evaluated 2025-08-22.

Conditions:
Hereditary cancer-predisposing syndrome. Also called: Hereditary neoplastic syndrome; Neoplastic Syndromes, Hereditary; Tumor predisposition; Hereditary Cancer Syndrome. Identifiers: Orphanet 140162, MedGen C0027672, MeSH D009386, MONDO:0015356.
Hereditary pheochromocytoma and paraganglioma. Also called: Hereditary pheochromocytoma-paraganglioma; Hereditary Paraganglioma-Pheochromocytoma Syndromes; Hereditary paragangliomas and pheochromocytomas. Identifiers: Orphanet 29072, MedGen C4274332, MONDO:0017366.

Allele frequency attached by ClinVar (database versions not stated): gnomAD 0.00001.
gnomAD v4.1: 2 of 1,614,036 alleles (0.00012%); highest among the groups gnomAD compares: Admixed American, 0.0033%; no homozygotes.

Submissions (2):

Ambry Genetics
Classification: Uncertain significance for Hereditary cancer-predisposing syndrome. Last evaluated: 2025-08-22. Review status: criteria provided, single submitter. Criteria: Ambry Variant Classification Scheme 2023. Collection method: clinical testing. Allele origin: germline.
Comment: The p.P51R variant (also known as c.152C>G), located in coding exon 2 of the SDHAF2 gene, results from a C to G substitution at nucleotide position 152. The proline at codon 51 is replaced by arginine, an amino acid with dissimilar properties. This amino acid position is highly conserved in available vertebrate species. In addition, the in silico prediction for this alteration is inconclusive. Based on the available evidence, the clinical significance of this variant remains unclear.

All of Us Research Program, National Institutes of Health
Classification: Uncertain significance for Hereditary pheochromocytoma and paraganglioma. Last evaluated: 2023-07-10. Review status: criteria provided, single submitter. Criteria: ACMG Guidelines, 2015. Collection method: clinical testing. Allele origin: germline. Inheritance: Autosomal dominant inheritance. Observed: 1 variant allele, 1 heterozygote.
Comment: This missense variant replaces proline with arginine at codon 51 of the SDHAF2 protein. Computational prediction suggests that this variant may not impact protein structure and function (internally defined REVEL score threshold <= 0.5, PMID: 27666373). To our knowledge, functional studies have not been reported for this variant. This variant has not been reported in individuals affected with SDHAF2-related disorders in the literature. This variant has been identified in 1/251360 chromosomes in the general population by the Genome Aggregation Database (gnomAD). The available evidence is insufficient to determine the role of this variant in disease conclusively. Therefore, this variant is classified as a Variant of Uncertain Significance.

This study involves interpretation of variants in research participants for the purpose of population health screening. Participant phenotype was not available at the time of variant classification. Additional details can be found in publication PMID: 35346344, PMCID: PMC8962531

NM_017841.4(SDHAF2):c.152C>G (p.Pro51Arg)

Gene: SDHAF2 (succinate dehydrogenase complex assembly factor 2; plus strand). Cytogenetic location: 11q12.2.
Variant type: single nucleotide variant.
Coding change: c.152C>G on transcript NM_017841.4 (MANE Select); coding-DNA position 152, C replaced by G.
Protein change: p.Pro51Arg; replaces proline 51 with arginine.
Molecular consequence: missense variant.
Genome position (GRCh38, 1-based): chr11:61,437,740, C>G. VCF-style: chr11-61437740-C-G. GRCh37 (hg19) VCF-style: chr11-61205212-C-G.
Other names: short protein forms P51R.
Identifiers: ClinVar variation 3072359 (VCV003072359.2), dbSNP rs1371376884, ClinGen allele CA380683356.